The following is an entry in ClinVar:

NM_002709.3(PPP1CB):c.-96G>A

Gene: PPP1CB (protein phosphatase 1 catalytic subunit beta; plus strand). Cytogenetic location: 2p23.2.
Variant type: single nucleotide variant.
Coding change: c.-96G>A on transcript NM_002709.3 (MANE Select); 96 bases upstream of the start codon, G replaced by A.
Molecular consequence: 5 prime UTR variant. On other transcripts: intron variant (1).
Genome position (GRCh38, 1-based): chr2:28,752,029, G>A. VCF-style: chr2-28752029-G-A. GRCh37 (hg19) VCF-style: chr2-28974895-G-A.
Other names: c.-87-9G>A (NM_206876.2).
Identifiers: ClinVar variation 4885290 (VCV004885290.2).
Genomic context (GRCh38, chr2:28,752,029, plus strand): 5'-AGGGGGTGGGGGGAGGGCCCGGGAAAAGGGGGAGTTGGAGCCGGGGTCGAAACGCCGCGT[G>A]ACTTGTAGGTGAGAGAACGCCGAGCCGTCGCCGCAGCCTCCGCCGCCGAGAAGCCCTTGT-3'

ClinVar aggregate classification (germline): Uncertain significance (1 of 4 stars; one submission).

gnomAD v4.1: 40 of 1,213,084 alleles (0.0033%); highest among the groups gnomAD compares: African/African-American, 0.036%; no homozygotes.

Submission:

Dasa
Classification: Uncertain significance. Last evaluated: 2025-11-20. Review status: criteria provided, single submitter. Criteria: DASA Assertion Criteria. Collection method: clinical testing. Allele origin: germline.
Comment: NM_206876.2(PPP1CB):c.-87-9G>A is an intronic variant. This variant is rare in population databases. The currently available literature and clinical evidence are not sufficient to establish a definitive association between this variant and the reported condition. Therefore, this variant is classified as a variant of uncertain significance.